The following is an entry in ClinVar:

NM_020457.3(THAP11):c.367CAG[7] (p.Gln130_Gln132del)

Genes: CENPT (centromere protein T; minus strand), THAP11 (THAP domain containing 11; plus strand). Cytogenetic location: 16q22.1.
Variant type: Microsatellite.
Coding change: c.367CAG[7] on transcript NM_020457.3 (MANE Select); seven copies in a row of the 3-base unit CAG starting at c.367; the reference has ten copies in a row; three copies, 9 bases deleted.
Protein change: p.Gln130_Gln132del.
Molecular consequence: inframe deletion. On other transcripts: intron variant (1).
Genome position (GRCh38, 1-based): chr16:67,842,942-67,842,950, CAGCAGCAG deleted; deleting any 9 consecutive bases within chr16:67,842,921-67,842,950 gives the same sequence; the position shown is the placement nearest the transcript's 3' end. VCF-style (leftmost placement, unchanged base first): chr16-67842920-ACAGCAGCAG-A. GRCh37 (hg19) VCF-style: chr16-67876823-ACAGCAGCAG-A.
Other names: c.-492+4451CTG[7] (NM_025082.4).
Identifiers: ClinVar variation 1587439 (VCV001587439.18), dbSNP rs377516180, ClinGen allele CA8118233.

ClinVar aggregate classification (germline): Likely benign. Review status: criteria provided, multiple submitters, no conflicts (2 of 4 stars). 2 submissions from 2 submitters: Likely benign (2). Last evaluated 2026-01-09.

Submissions (2):

Labcorp Genetics (formerly Invitae), Labcorp
Classification: Likely benign. Last evaluated: 2026-01-09. Review status: criteria provided, single submitter. Criteria: Invitae Variant Classification Sherloc (09022015). Collection method: clinical testing. Allele origin: germline.

CeGaT Center for Human Genetics Tuebingen
Classification: Likely benign. Last evaluated: 2025-09-01. Review status: criteria provided, single submitter. Criteria: CeGaT Center For Human Genetics Tuebingen Variant Classification Criteria Version 2. Collection method: clinical testing. Allele origin: germline. Affected: yes. Observed: 2 variant alleles.
Comment: THAP11: BS2